The following is an entry in ClinVar:

NM_005862.3(STAG1):c.2359G>A (p.Val787Met)

Gene: STAG1 (STAG1 cohesin complex component; minus strand). Cytogenetic location: 3q22.3.
Variant type: single nucleotide variant.
Coding change: c.2359G>A on transcript NM_005862.3 (MANE Select); coding-DNA position 2359, G replaced by A.
Protein change: p.Val787Met; replaces valine 787 with methionine.
Molecular consequence: missense variant.
Genome position (GRCh38, 1-based): chr3:136,377,671, C>T on the plus strand (G>A on the coding strand, the complement: STAG1 is on the minus strand). VCF-style: chr3-136377671-C-T. GRCh37 (hg19) VCF-style: chr3-136096513-C-T.
Other names: short protein forms V787M.
Identifiers: ClinVar variation 3655599 (VCV003655599.2).

ClinVar aggregate classification (germline): Uncertain significance (1 of 4 stars; one submission).

gnomAD v4.1: 2 of 1,613,352 alleles (0.00012%); highest among the groups gnomAD compares: Non-Finnish European, 0.00017%; no homozygotes.

Submission:

Labcorp Genetics (formerly Invitae), Labcorp
Classification: Uncertain significance. Last evaluated: 2024-06-05. Review status: criteria provided, single submitter. Criteria: Invitae Variant Classification Sherloc (09022015). Collection method: clinical testing. Allele origin: germline.
Comment: This sequence change replaces valine, which is neutral and non-polar, with methionine, which is neutral and non-polar, at codon 787 of the STAG1 protein (p.Val787Met). This variant is not present in population databases (gnomAD no frequency). This variant has not been reported in the literature in individuals affected with STAG1-related conditions. Advanced modeling of protein sequence and biophysical properties (such as structural, functional, and spatial information, amino acid conservation, physicochemical variation, residue mobility, and thermodynamic stability) performed at Invitae indicates that this missense variant is not expected to disrupt STAG1 protein function with a negative predictive value of 80%. In summary, the available evidence is currently insufficient to determine the role of this variant in disease. Therefore, it has been classified as a Variant of Uncertain Significance.